The following is an entry in ClinVar:

NM_001253697.2(ERBIN):c.3074C>G (p.Ser1025Cys)

Gene: ERBIN (erbb2 interacting protein; plus strand). Cytogenetic location: 5q12.3.
Variant type: single nucleotide variant.
Coding change: c.3074C>G on transcript NM_001253697.2 (MANE Select); coding-DNA position 3074, C replaced by G.
Protein change: p.Ser1025Cys; replaces serine 1025 with cysteine.
Molecular consequence: missense variant.
Genome position (GRCh38, 1-based): chr5:66,054,392, C>G. VCF-style: chr5-66054392-C-G. GRCh37 (hg19) VCF-style: chr5-65350220-C-G.
Other names: c.3074C>G, p.Ser1025Cys (NM_001006600.3, NM_001253698.2, NM_001253699.2 and 1 more transcripts); c.3062C>G, p.Ser1021Cys (NM_001253701.2); short protein forms S1021C, S1025C.
Identifiers: ClinVar variation 1426960 (VCV001426960.6), dbSNP rs142349499, ClinGen allele CA3286583.

ClinVar aggregate classification (germline): Uncertain significance (1 of 4 stars; one submission).

Allele frequency attached by ClinVar (database versions not stated): ExAC 0.00002; gnomAD exomes 0.00003; gnomAD 0.00004; ESP Exome Variant Server 0.00008.
gnomAD v4.1: 21 of 1,614,066 alleles (0.0013%); highest among the groups gnomAD compares: Admixed American, 0.018%; no homozygotes.

Submission:

Labcorp Genetics (formerly Invitae), Labcorp
Classification: Uncertain significance. Last evaluated: 2025-12-01. Review status: criteria provided, single submitter. Criteria: Invitae Variant Classification Sherloc (09022015). Collection method: clinical testing. Allele origin: germline.
Comment: This sequence change replaces serine, which is neutral and polar, with cysteine, which is neutral and slightly polar, at codon 1025 of the ERBIN protein (p.Ser1025Cys). This variant is present in population databases (rs142349499, gnomAD 0.02%). This variant has not been reported in the literature in individuals affected with ERBIN-related conditions. ClinVar contains an entry for this variant (Variation ID: 1426960). An algorithm developed to predict the effect of missense changes on protein structure and function (PolyPhen-2) suggests that this variant is likely to be disruptive. In summary, the available evidence is currently insufficient to determine the role of this variant in disease. Therefore, it has been classified as a Variant of Uncertain Significance.